The following is an entry in ClinVar:

NM_017636.4(TRPM4):c.2242G>C (p.Gly748Arg)

Gene: TRPM4 (transient receptor potential cation channel subfamily M member 4; plus strand). Cytogenetic location: 19q13.33.
Variant type: single nucleotide variant.
Coding change: c.2242G>C on transcript NM_017636.4 (MANE Select); coding-DNA position 2242, G replaced by C.
Protein change: p.Gly748Arg; replaces glycine 748 with arginine.
Molecular consequence: missense variant. On other transcripts: intron variant (1).
Genome position (GRCh38, 1-based): chr19:49,196,471, G>C. VCF-style: chr19-49196471-G-C. GRCh37 (hg19) VCF-style: chr19-49699728-G-C.
Other names: c.1897G>C, p.Gly633Arg (NM_001321281.2); c.634G>C, p.Gly212Arg (NM_001321282.2); c.1720G>C, p.Gly574Arg (NM_001321283.2); c.1180G>C, p.Gly394Arg (NM_001321285.2); c.2211-3829G>C (NM_001195227.2); short protein forms G394R, G574R, G212R, G748R, G633R.
Identifiers: ClinVar variation 4615271 (VCV004615271.1).

ClinVar aggregate classification (germline): Uncertain significance (1 of 4 stars; one submission).

Conditions:
Cardiovascular phenotype. Identifiers: MedGen CN230736.

gnomAD v4.1: 6 of 1,552,200 alleles (0.00039%); highest among the groups gnomAD compares: Non-Finnish European, 0.00043%; no homozygotes.

Submission:

Ambry Genetics
Classification: Uncertain significance for Cardiovascular phenotype. Last evaluated: 2025-10-29. Review status: criteria provided, single submitter. Criteria: Ambry Variant Classification Scheme 2023. Collection method: clinical testing. Allele origin: germline.
Comment: The p.G748R variant (also known as c.2242G>C), located in coding exon 17 of the TRPM4 gene, results from a G to C substitution at nucleotide position 2242. The glycine at codon 748 is replaced by arginine, an amino acid with dissimilar properties. This amino acid position is conserved. In addition, this alteration is predicted to be tolerated by in silico analysis. Based on the available evidence, the clinical significance of this variant remains unclear.